The following is an entry in ClinVar:

ClinVar aggregate classification (germline): Uncertain significance. Review status: criteria provided, multiple submitters, no conflicts (2 of 4 stars). 2 submissions from 2 submitters: Uncertain significance (2). Last evaluated 2023-09-15.

Conditions:
Epilepsy, childhood absence, susceptibility to, 6. Identifiers: Orphanet 64280, MedGen C2749872, MONDO:0012763, OMIM 611942.
Hyperaldosteronism, familial, type IV (HALD4). Also called: FH IV; ALDOSTERONISM, PRIMARY, AND HYPERTENSION. Identifiers: Orphanet 642671, MedGen C4310756, MONDO:0014875, OMIM 617027.
Idiopathic generalized epilepsy. Also called: EIG; Generalised epilepsy. Identifiers: MedGen C0270850, MONDO:0005579, OMIM 600669.

Allele frequency attached by ClinVar (database versions not stated): gnomAD 0.00002; gnomAD exomes 0.00002; TOPMed 0.00003.
gnomAD v4.1: 83 of 1,585,900 alleles (0.0052%); highest among the groups gnomAD compares: Non-Finnish European, 0.0067%; no homozygotes.

Submissions (2):

Labcorp Genetics (formerly Invitae), Labcorp
Classification: Uncertain significance for Idiopathic generalized epilepsy; Hyperaldosteronism, familial, type IV. Last evaluated: 2023-09-15. Review status: criteria provided, single submitter. Criteria: Invitae Variant Classification Sherloc (09022015). Collection method: clinical testing. Allele origin: germline.
Comment: Advanced modeling of protein sequence and biophysical properties (such as structural, functional, and spatial information, amino acid conservation, physicochemical variation, residue mobility, and thermodynamic stability) performed at Invitae indicates that this missense variant is expected to disrupt CACNA1H protein function. In summary, the available evidence is currently insufficient to determine the role of this variant in disease. Therefore, it has been classified as a Variant of Uncertain Significance. ClinVar contains an entry for this variant (Variation ID: 1407510). This variant has not been reported in the literature in individuals affected with CACNA1H-related conditions. This variant is present in population databases (no rsID available, gnomAD 0.009%). This sequence change replaces phenylalanine, which is neutral and non-polar, with valine, which is neutral and non-polar, at codon 886 of the CACNA1H protein (p.Phe886Val).

Fulgent Genetics
Classification: Uncertain significance for Epilepsy, childhood absence, susceptibility to, 6; Hyperaldosteronism, familial, type IV. Last evaluated: 2021-11-09. Review status: criteria provided, single submitter. Criteria: ACMG Guidelines, 2015. Collection method: clinical testing. Allele origin: unknown.

NM_021098.3(CACNA1H):c.2656T>G (p.Phe886Val)

Gene: CACNA1H (calcium voltage-gated channel subunit alpha1 H; plus strand). Cytogenetic location: 16p13.3.
Variant type: single nucleotide variant.
Coding change: c.2656T>G on transcript NM_021098.3 (MANE Select); coding-DNA position 2656, T replaced by G.
Protein change: p.Phe886Val; replaces phenylalanine 886 with valine.
Molecular consequence: missense variant.
Genome position (GRCh38, 1-based): chr16:1,206,156, T>G. VCF-style: chr16-1206156-T-G. GRCh37 (hg19) VCF-style: chr16-1256156-T-G.
Other names: c.2656T>G, p.Phe886Val (NM_001005407.2); short protein forms F886V.
Identifiers: ClinVar variation 1407510 (VCV001407510.9), dbSNP rs1482408749, ClinGen allele CA394168760.